The following is an entry in ClinVar:

ClinVar aggregate classification (germline): Conflicting classifications of pathogenicity. Review status: criteria provided, conflicting classifications (1 of 4 stars). 2 submissions from 2 submitters: Uncertain significance (1); Likely benign (1). Last evaluated 2023-03-23.

Conditions:
Hereditary cancer-predisposing syndrome. Also called: Hereditary neoplastic syndrome; Tumor predisposition; Neoplastic Syndromes, Hereditary; Hereditary Cancer Syndrome. Identifiers: Orphanet 140162, MedGen C0027672, MeSH D009386, MONDO:0015356.
Hereditary breast ovarian cancer syndrome. Also called: Hereditary breast and ovarian cancer; Hereditary breast and/or ovarian cancer syndrome; Hereditary breast and ovarian cancer syndrome; Hereditary breast and ovarian cancer syndrome (HBOC); Breast and ovarian cancer; BRCA1- and BRCA2-Associated Hereditary Breast and Ovarian Cancer. Identifiers: Orphanet 145, MedGen C0677776, MeSH D061325, MONDO:0003582. Disease mechanism: loss of function.

Submissions (2):

University of Washington Department of Laboratory Medicine, University of Washington
Classification: Likely benign for Hereditary cancer-predisposing syndrome. Last evaluated: 2023-03-23. Review status: criteria provided, single submitter. Criteria: Dines et al. (Genet Med. 2020). Collection method: curation. Allele origin: germline.
Comment: Missense variant in a coldspot region where missense variants are very unlikely to be pathogenic (PMID:31911673).

BRCA1 coldspot (exon 11 using historical exon numbering). Reclassification based on statistical prior probability

Labcorp Genetics (formerly Invitae), Labcorp
Classification: Uncertain significance for Hereditary breast ovarian cancer syndrome. Last evaluated: 2019-10-31. Review status: criteria provided, single submitter. Criteria: Invitae Variant Classification Sherloc (09022015). Collection method: clinical testing. Allele origin: germline.
Comment: Algorithms developed to predict the effect of missense changes on protein structure and function are either unavailable or do not agree on the potential impact of this missense change (SIFT: "Deleterious"; PolyPhen-2: "Probably Damaging"; Align-GVGD: "Class C0"). In summary, the available evidence is currently insufficient to determine the role of this variant in disease. Therefore, it has been classified as a Variant of Uncertain Significance. This variant has not been reported in the literature in individuals with BRCA1-related conditions. This variant is not present in population databases (ExAC no frequency). This sequence change replaces cysteine with tryptophan at codon 882 of the BRCA1 protein (p.Cys882Trp). The cysteine residue is moderately conserved and there is a large physicochemical difference between cysteine and tryptophan.

NM_007294.4(BRCA1):c.2646T>G (p.Cys882Trp)

Gene: BRCA1 (BRCA1 DNA repair associated; minus strand). Cytogenetic location: 17q21.31.
Variant type: single nucleotide variant.
Coding change: c.2646T>G on transcript NM_007294.4 (MANE Select); coding-DNA position 2646, T replaced by G.
Protein change: p.Cys882Trp; replaces cysteine 882 with tryptophan.
Molecular consequence: missense variant. On other transcripts: intron variant (137).
Genome position (GRCh38, 1-based): chr17:43,092,885, A>C on the plus strand (T>G on the coding strand, the complement: BRCA1 is on the minus strand). VCF-style: chr17-43092885-A-C. GRCh37 (hg19) VCF-style: chr17-41244902-A-C.
Other names: c.2433T>G, p.Cys811Trp (NM_001407571.1, NM_001407853.1, NM_001407894.1 and 9 more transcripts); c.2646T>G, p.Cys882Trp (NM_001407581.1, NM_001407582.1, NM_001407583.1 and 30 more transcripts); c.2643T>G, p.Cys881Trp (NM_001407587.1, NM_001407590.1, NM_001407591.1 and 22 more transcripts); c.2637T>G, p.Cys879Trp (NM_001407646.1, NM_001407647.1); c.2523T>G, p.Cys841Trp (NM_001407648.1, NM_001407664.1, NM_001407665.1 and 19 more transcripts); c.2520T>G, p.Cys840Trp (NM_001407649.1, NM_001407670.1, NM_001407671.1 and 11 more transcripts); c.2568T>G, p.Cys856Trp (NM_001407653.1, NM_001407654.1, NM_001407655.1 and 4 more transcripts); c.2565T>G, p.Cys855Trp (NM_001407659.1, NM_001407660.1, NM_001407661.1 and 1 more transcripts); and 41 more; short protein forms C882W, C835W, C855W, C879W, C586W, C755W, C754W, C771W.
Identifiers: ClinVar variation 956855 (VCV000956855.13), dbSNP rs2053723557, ClinGen allele CA10596701.